The following is an entry in ClinVar:

NM_002890.3(RASA1):c.473C>G (p.Ser158Cys)

Gene: RASA1 (RAS p21 protein activator 1; plus strand). Cytogenetic location: 5q14.3.
Variant type: single nucleotide variant.
Coding change: c.473C>G on transcript NM_002890.3 (MANE Select); coding-DNA position 473, C replaced by G.
Protein change: p.Ser158Cys; replaces serine 158 with cysteine.
Molecular consequence: missense variant.
Genome position (GRCh38, 1-based): chr5:87,268,924, C>G. VCF-style: chr5-87268924-C-G. GRCh37 (hg19) VCF-style: chr5-86564741-C-G.
Other names: short protein forms S158C.
Identifiers: ClinVar variation 1044077 (VCV001044077.9), dbSNP rs200949838, ClinGen allele CA3335443.

ClinVar aggregate classification (germline): Uncertain significance (1 of 4 stars; one submission).

Conditions:
Capillary malformation-arteriovenous malformation syndrome. Also called: Capillary malformation-arteriovenous malformation. Identifiers: Orphanet 137667, MedGen C1842180, MONDO:0012016.

Allele frequency attached by ClinVar (database versions not stated): gnomAD 0.00001; ExAC 0.00002; gnomAD exomes 0.00002; 1000 Genomes Project 30x 0.00016; 1000 Genomes Project 0.00020.
gnomAD v4.1: 74 of 1,614,214 alleles (0.0046%); highest among the groups gnomAD compares: East Asian, 0.16%; 1 homozygote.

Submission:

Labcorp Genetics (formerly Invitae), Labcorp
Classification: Uncertain significance for Capillary malformation-arteriovenous malformation syndrome. Last evaluated: 2022-07-19. Review status: criteria provided, single submitter. Criteria: Invitae Variant Classification Sherloc (09022015). Collection method: clinical testing. Allele origin: germline.
Comment: In summary, the available evidence is currently insufficient to determine the role of this variant in disease. Therefore, it has been classified as a Variant of Uncertain Significance. Algorithms developed to predict the effect of missense changes on protein structure and function (SIFT, PolyPhen-2, Align-GVGD) all suggest that this variant is likely to be tolerated. ClinVar contains an entry for this variant (Variation ID: 1044077). This variant has not been reported in the literature in individuals affected with RASA1-related conditions. This variant is present in population databases (rs200949838, gnomAD 0.03%). This sequence change replaces serine, which is neutral and polar, with cysteine, which is neutral and slightly polar, at codon 158 of the RASA1 protein (p.Ser158Cys).